The following is an entry in ClinVar:

NM_032043.3(BRIP1):c.2359C>T (p.Pro787Ser)

Gene: BRIP1 (BRCA1 interacting DNA helicase 1; minus strand). Cytogenetic location: 17q23.2.
Variant type: single nucleotide variant.
Coding change: c.2359C>T on transcript NM_032043.3 (MANE Select); coding-DNA position 2359, C replaced by T.
Protein change: p.Pro787Ser; replaces proline 787 with serine.
Molecular consequence: missense variant.
Genome position (GRCh38, 1-based): chr17:61,743,033, G>A on the plus strand (C>T on the coding strand, the complement: BRIP1 is on the minus strand). VCF-style: chr17-61743033-G-A. GRCh37 (hg19) VCF-style: chr17-59820394-G-A.
Other names: short protein forms P787S.
Identifiers: ClinVar variation 1790112 (VCV001790112.2), dbSNP rs2144675683, ClinGen allele CA400482562.

ClinVar aggregate classification (germline): Uncertain significance (1 of 4 stars; one submission).

Conditions:
Hereditary cancer-predisposing syndrome. Also called: Hereditary Cancer Syndrome; Hereditary neoplastic syndrome; Tumor predisposition; Neoplastic Syndromes, Hereditary. Identifiers: Orphanet 140162, MedGen C0027672, MeSH D009386, MONDO:0015356.

Submission:

Ambry Genetics
Classification: Uncertain significance for Hereditary cancer-predisposing syndrome. Last evaluated: 2022-02-05. Review status: criteria provided, single submitter. Criteria: Ambry Variant Classification Scheme 2023. Collection method: clinical testing. Allele origin: germline.
Comment: The p.P787S variant (also known as c.2359C>T), located in coding exon 15 of the BRIP1 gene, results from a C to T substitution at nucleotide position 2359. The proline at codon 787 is replaced by serine, an amino acid with similar properties. This amino acid position is conserved. In addition, this alteration is predicted to be deleterious by in silico analysis. Since supporting evidence is limited at this time, the clinical significance of this alteration remains unclear.